The following is an entry in ClinVar:

NM_014714.4(IFT140):c.2912T>C (p.Met971Thr)

Genes: IFT140 (intraflagellar transport 140; minus strand), LOC126862260 (CDK7 strongly-dependent group 2 enhancer GRCh37_chr16:1574508-1575707; plus strand). Cytogenetic location: 16p13.3.
Variant type: single nucleotide variant.
Coding change: c.2912T>C on transcript NM_014714.4 (MANE Select); coding-DNA position 2912, T replaced by C.
Protein change: p.Met971Thr; replaces methionine 971 with threonine.
Molecular consequence: missense variant.
Genome position (GRCh38, 1-based): chr16:1,524,869, A>G on the plus strand (T>C on the coding strand, the complement: IFT140 is on the minus strand). VCF-style: chr16-1524869-A-G. GRCh37 (hg19) VCF-style: chr16-1574870-A-G.
Other names: short protein forms M971T.
Identifiers: ClinVar variation 1008388 (VCV001008388.6), dbSNP rs761061336, ClinGen allele CA7813425.

ClinVar aggregate classification (germline): Uncertain significance (1 of 4 stars; one submission).

Conditions:
Saldino-Mainzer syndrome (SRTD9). Also called: CONORENAL SYNDROME; Renal dysplasia, retinal pigmentary dystrophy, cerebellar ataxia and skeletal dysplasia; short-rib thoracic dysplasia 9 with or without polydactyly; SHORT-RIB THORACIC DYSPLASIA 9 WITHOUT POLYDACTYLY. Identifiers: Orphanet 140969, MedGen C1849437, MONDO:0009964, OMIM 266920.

Allele frequency attached by ClinVar (database versions not stated): gnomAD exomes below 0.00001; ExAC 0.00001; gnomAD 0.00001.
gnomAD v4.1: 6 of 1,612,374 alleles (0.00037%); highest among the groups gnomAD compares: Non-Finnish European, 0.00034%; no homozygotes.

Submission:

Labcorp Genetics (formerly Invitae), Labcorp
Classification: Uncertain significance for Saldino-Mainzer syndrome. Last evaluated: 2021-08-24. Review status: criteria provided, single submitter. Criteria: Invitae Variant Classification Sherloc (09022015). Collection method: clinical testing. Allele origin: germline.
Comment: This sequence change replaces methionine with threonine at codon 971 of the IFT140 protein (p.Met971Thr). The methionine residue is moderately conserved and there is a moderate physicochemical difference between methionine and threonine. This variant is present in population databases (rs761061336, ExAC 0.02%). This variant has not been reported in the literature in individuals affected with IFT140-related conditions. Algorithms developed to predict the effect of missense changes on protein structure and function are either unavailable or do not agree on the potential impact of this missense change (SIFT: "Deleterious"; PolyPhen-2: "Benign"; Align-GVGD: "Class C0"). In summary, the available evidence is currently insufficient to determine the role of this variant in disease. Therefore, it has been classified as a Variant of Uncertain Significance.